The following is an entry in ClinVar:

ClinVar aggregate classification (germline): Likely benign. Review status: criteria provided, single submitter (1 of 4 stars). 2 submissions from 2 submitters: Likely benign (1). 1 of the submissions does not count toward it. Last evaluated 2024-01-04.

Conditions:
ABCC2-related disorder. Also called: ABCC2-related condition.

Allele frequency attached by ClinVar (database versions not stated): ExAC 0.00001; gnomAD exomes 0.00001; gnomAD 0.00005; TOPMed 0.00006.
gnomAD v4.1: 16 of 1,614,040 alleles (0.00099%); highest among the groups gnomAD compares: African/African-American, 0.02%; no homozygotes.

Submissions (2):

Labcorp Genetics (formerly Invitae), Labcorp
Classification: Likely benign. Last evaluated: 2024-01-04. Review status: criteria provided, single submitter. Criteria: Invitae Variant Classification Sherloc (09022015). Collection method: clinical testing. Allele origin: germline.

PreventionGenetics, part of Exact Sciences
Classification: Likely benign for ABCC2-related condition. Last evaluated: 2023-01-09. Review status: no assertion criteria provided. Collection method: clinical testing. Allele origin: germline. Not counted in ClinVar's aggregate classification.
Comment: This variant is classified as likely benign based on ACMG/AMP sequence variant interpretation guidelines (Richards et al. 2015 PMID: 25741868, with internal and published modifications).

NM_000392.5(ABCC2):c.3465C>A (p.Thr1155=)

Gene: ABCC2 (ATP binding cassette subfamily C member 2; plus strand). Cytogenetic location: 10q24.2.
Variant type: single nucleotide variant.
Coding change: c.3465C>A on transcript NM_000392.5 (MANE Select); coding-DNA position 3465, C replaced by A.
Protein change: p.Thr1155=; no amino-acid change (threonine 1155 retained).
Molecular consequence: synonymous variant.
Genome position (GRCh38, 1-based): chr10:99,836,141, C>A. VCF-style: chr10-99836141-C-A. GRCh37 (hg19) VCF-style: chr10-101595898-C-A.
Other names: c.3465C>A (NM_000392.4).
Identifiers: ClinVar variation 2917689 (VCV002917689.5), dbSNP rs770696337, ClinGen allele CA5643818.